The following is an entry in ClinVar:

NM_020928.2(ZSWIM6):c.1178C>T (p.Ala393Val)

Gene: ZSWIM6 (zinc finger SWIM-type containing 6; plus strand). Cytogenetic location: 5q12.1.
Variant type: single nucleotide variant.
Coding change: c.1178C>T on transcript NM_020928.2 (MANE Select); coding-DNA position 1178, C replaced by T.
Protein change: p.Ala393Val; replaces alanine 393 with valine.
Molecular consequence: missense variant.
Genome position (GRCh38, 1-based): chr5:61,490,930, C>T. VCF-style: chr5-61490930-C-T. GRCh37 (hg19) VCF-style: chr5-60786757-C-T.
Other names: short protein forms A393V.
Identifiers: ClinVar variation 1717795 (VCV001717795.5), dbSNP rs2479060422, ClinGen allele CA359942407.

ClinVar aggregate classification (germline): Uncertain significance (1 of 4 stars; one submission).

Submission:

Labcorp Genetics (formerly Invitae), Labcorp
Classification: Uncertain significance. Last evaluated: 2022-07-17. Review status: criteria provided, single submitter. Criteria: Invitae Variant Classification Sherloc (09022015). Collection method: clinical testing. Allele origin: germline.
Comment: This sequence change replaces alanine, which is neutral and non-polar, with valine, which is neutral and non-polar, at codon 393 of the ZSWIM6 protein (p.Ala393Val). This variant is not present in population databases (gnomAD no frequency). This variant has not been reported in the literature in individuals affected with ZSWIM6-related conditions. Algorithms developed to predict the effect of missense changes on protein structure and function (SIFT, PolyPhen-2, Align-GVGD) all suggest that this variant is likely to be tolerated. In summary, the available evidence is currently insufficient to determine the role of this variant in disease. Therefore, it has been classified as a Variant of Uncertain Significance.